The following is an entry in ClinVar:

NM_003803.4(MYOM1):c.1568A>G (p.Lys523Arg)

Gene: MYOM1 (myomesin 1; minus strand). Cytogenetic location: 18p11.31.
Variant type: single nucleotide variant.
Coding change: c.1568A>G on transcript NM_003803.4 (MANE Select); coding-DNA position 1568, A replaced by G.
Protein change: p.Lys523Arg; replaces lysine 523 with arginine.
Molecular consequence: missense variant.
Genome position (GRCh38, 1-based): chr18:3,155,022, T>C on the plus strand (A>G on the coding strand, the complement: MYOM1 is on the minus strand). VCF-style: chr18-3155022-T-C. GRCh37 (hg19) VCF-style: chr18-3155020-T-C.
Other names: c.1568A>G, p.Lys523Arg (NM_019856.2); short protein forms K523R.
Identifiers: ClinVar variation 1054546 (VCV001054546.12), dbSNP rs372075959, ClinGen allele CA8874914.

ClinVar aggregate classification (germline): Uncertain significance. Review status: criteria provided, multiple submitters, no conflicts (2 of 4 stars). 2 submissions from 2 submitters: Uncertain significance (2). Last evaluated 2025-10-11.

Conditions:
Hypertrophic cardiomyopathy. Also called: HYPERTROPHIC MYOCARDIOPATHY. Identifiers: Orphanet 217569, MedGen C0007194, MeSH D002312, MONDO:0005045, HP:0001639.

Allele frequency attached by ClinVar (database versions not stated): gnomAD exomes 0.00001 and 0.00002; ExAC 0.00003; gnomAD 0.00003 and 0.00004; TOPMed 0.00007; ESP Exome Variant Server 0.00008.
gnomAD v4.1: 17 of 1,613,386 alleles (0.0011%); highest among the groups gnomAD compares: Middle Eastern, 0.016%; no homozygotes.

Submissions (2):

Ambry Genetics
Classification: Uncertain significance. Last evaluated: 2025-10-11. Review status: criteria provided, single submitter. Criteria: Ambry Variant Classification Scheme 2023. Collection method: clinical testing. Allele origin: germline.
Comment: The p.K523R variant (also known as c.1568A>G), located in coding exon 10 of the MYOM1 gene, results from an A to G substitution at nucleotide position 1568. The lysine at codon 523 is replaced by arginine, an amino acid with highly similar properties. This amino acid position is conserved. In addition, this alteration is predicted to be tolerated by in silico analysis. Since supporting evidence is limited at this time, the clinical significance of this alteration remains unclear.

Labcorp Genetics (formerly Invitae), Labcorp
Classification: Uncertain significance for Hypertrophic cardiomyopathy. Last evaluated: 2025-05-18. Review status: criteria provided, single submitter. Criteria: Invitae Variant Classification Sherloc (09022015). Collection method: clinical testing. Allele origin: germline.
Comment: This sequence change replaces lysine, which is basic and polar, with arginine, which is basic and polar, at codon 523 of the MYOM1 protein (p.Lys523Arg). This variant is present in population databases (rs372075959, gnomAD 0.02%). This variant has not been reported in the literature in individuals affected with MYOM1-related conditions. ClinVar contains an entry for this variant (Variation ID: 1054546). Invitae Evidence Modeling of protein sequence and biophysical properties (such as structural, functional, and spatial information, amino acid conservation, physicochemical variation, residue mobility, and thermodynamic stability) indicates that this missense variant is not expected to disrupt MYOM1 protein function with a negative predictive value of 80%. In summary, the available evidence is currently insufficient to determine the role of this variant in disease. Therefore, it has been classified as a Variant of Uncertain Significance.